The following is an entry in ClinVar:

ClinVar aggregate classification (germline): Uncertain significance. Review status: criteria provided, multiple submitters, no conflicts (2 of 4 stars). 3 submissions from 3 submitters: Uncertain significance (3). Last evaluated 2026-09-08.

Conditions:
TOPORS-related disorder. Also called: TOPORS-related condition.

Allele frequency attached by ClinVar (database versions not stated): ExAC 0.00001; gnomAD 0.00001; gnomAD exomes 0.00001 and 0.00002; TOPMed 0.00002.
gnomAD v4.1: 9 of 1,612,918 alleles (0.00056%); highest among the groups gnomAD compares: Admixed American, 0.0083%; no homozygotes.

Submissions (3):

PreventionGenetics, part of Exact Sciences
Classification: Uncertain significance for TOPORS-related condition. Last evaluated: 2026-09-08. Review status: criteria provided, single submitter. Criteria: ACMG Guidelines, 2015. Collection method: clinical testing. Allele origin: germline.
Comment: The TOPORS c.124C>T variant is predicted to result in the amino acid substitution p.His42Tyr. To our knowledge, this variant has not been reported in the literature. This variant is reported in 0.012% of alleles in individuals of Latino descent in gnomAD. At this time, the clinical significance of this variant is uncertain due to the absence of conclusive functional and genetic evidence.

Labcorp Genetics (formerly Invitae), Labcorp
Classification: Uncertain significance. Last evaluated: 2025-01-30. Review status: criteria provided, single submitter. Criteria: Invitae Variant Classification Sherloc (09022015). Collection method: clinical testing. Allele origin: germline.
Comment: This sequence change replaces histidine, which is basic and polar, with tyrosine, which is neutral and polar, at codon 42 of the TOPORS protein (p.His42Tyr). This variant is present in population databases (rs756891203, gnomAD 0.01%). This variant has not been reported in the literature in individuals affected with TOPORS-related conditions. ClinVar contains an entry for this variant (Variation ID: 1399688). An algorithm developed to predict the effect of missense changes on protein structure and function (PolyPhen-2) suggests that this variant is likely to be disruptive. In summary, the available evidence is currently insufficient to determine the role of this variant in disease. Therefore, it has been classified as a Variant of Uncertain Significance.

Blueprint Genetics
Classification: Uncertain significance. Last evaluated: 2022-04-19. Review status: criteria provided, single submitter. Criteria: ACMG Guidelines, 2015. Collection method: clinical testing. Allele origin: germline.

NM_005802.5(TOPORS):c.124C>T (p.His42Tyr)

Gene: TOPORS (TOP1 binding arginine/serine rich protein, E3 ubiquitin ligase; minus strand). Cytogenetic location: 9p21.1.
Variant type: single nucleotide variant.
Coding change: c.124C>T on transcript NM_005802.5 (MANE Select); coding-DNA position 124, C replaced by T.
Protein change: p.His42Tyr; replaces histidine 42 with tyrosine.
Molecular consequence: missense variant. On other transcripts: intron variant (1).
Genome position (GRCh38, 1-based): chr9:32,550,848, G>A on the plus strand (C>T on the coding strand, the complement: TOPORS is on the minus strand). VCF-style: chr9-32550848-G-A. GRCh37 (hg19) VCF-style: chr9-32550846-G-A.
Other names: c.3+1586C>T (NM_001195622.2); c.124C>T (NM_005802.4); short protein forms H42Y.
Identifiers: ClinVar variation 1399688 (VCV001399688.8), dbSNP rs756891203, ClinGen allele CA5020720.